The following is an entry in ClinVar:

NM_000059.4(BRCA2):c.425+4T>G

Gene: BRCA2 (BRCA2 DNA repair associated; plus strand). Cytogenetic location: 13q13.1.
Variant type: single nucleotide variant.
Coding change: c.425+4T>G on transcript NM_000059.4 (MANE Select); 4 bases into the intron after coding-DNA position 425, T replaced by G.
Molecular consequence: intron variant.
Genome position (GRCh38, 1-based): chr13:32,325,188, T>G. VCF-style: chr13-32325188-T-G. GRCh37 (hg19) VCF-style: chr13-32899325-T-G.
Identifiers: ClinVar variation 187244 (VCV000187244.19), dbSNP rs757612558, ClinGen allele CA019797.

ClinVar aggregate classification (germline): Uncertain significance. Review status: criteria provided, multiple submitters, no conflicts (2 of 4 stars). 4 submissions from 4 submitters: Uncertain significance (4). Last evaluated 2024-02-17.

Conditions:
Hereditary cancer-predisposing syndrome. Also called: Neoplastic Syndromes, Hereditary; Tumor predisposition; Hereditary Cancer Syndrome; Hereditary neoplastic syndrome. Identifiers: Orphanet 140162, MedGen C0027672, MeSH D009386, MONDO:0015356.
Hereditary breast ovarian cancer syndrome. Also called: Hereditary breast and ovarian cancer; Hereditary breast and/or ovarian cancer syndrome; BRCA1- and BRCA2-Associated Hereditary Breast and Ovarian Cancer; Hereditary breast and ovarian cancer syndrome (HBOC); Hereditary breast and ovarian cancer syndrome; Breast and ovarian cancer. Identifiers: Orphanet 145, MedGen C0677776, MeSH D061325, MONDO:0003582. Disease mechanism: loss of function.

Allele frequency attached by ClinVar (database versions not stated): gnomAD exomes 0.00001; ExAC 0.00002.

Submissions (4):

Labcorp Genetics (formerly Invitae), Labcorp
Classification: Uncertain significance for Hereditary breast ovarian cancer syndrome. Last evaluated: 2024-02-17. Review status: criteria provided, single submitter. Criteria: Invitae Variant Classification Sherloc (09022015). Collection method: clinical testing. Allele origin: germline.
Comment: This sequence change falls in intron 4 of the BRCA2 gene. It does not directly change the encoded amino acid sequence of the BRCA2 protein. It affects a nucleotide within the consensus splice site. This variant is present in population databases (rs757612558, gnomAD 0.002%). This variant has not been reported in the literature in individuals affected with BRCA2-related conditions. ClinVar contains an entry for this variant (Variation ID: 187244). Variants that disrupt the consensus splice site are a relatively common cause of aberrant splicing (PMID: 17576681, 9536098). Algorithms developed to predict the effect of sequence changes on RNA splicing suggest that this variant is not likely to affect RNA splicing. In summary, the available evidence is currently insufficient to determine the role of this variant in disease. Therefore, it has been classified as a Variant of Uncertain Significance.

Ambry Genetics
Classification: Uncertain significance for Hereditary cancer-predisposing syndrome. Last evaluated: 2024-02-06. Review status: criteria provided, single submitter. Criteria: Ambry Variant Classification Scheme 2023. Collection method: clinical testing. Allele origin: germline.
Comment: The c.425+4T>G intronic variant results from a T to G substitution 4 nucleotides after coding exon 3 in the BRCA2 gene. This nucleotide position is highly conserved in available vertebrate species. In silico splice site analysis predicts that this alteration will not have any significant effect on splicing; however, direct evidence is insufficient at this time (Ambry internal data). Based on the available evidence, the clinical significance of this alteration remains unclear.

Color Diagnostics, LLC DBA Color Health
Classification: Uncertain significance for Hereditary cancer-predisposing syndrome. Last evaluated: 2019-04-22. Review status: criteria provided, single submitter. Criteria: ACMG Guidelines, 2015. Collection method: clinical testing. Allele origin: germline.

GeneKor MSA
Classification: Uncertain significance for Hereditary cancer-predisposing syndrome. Last evaluated: 2018-08-01. Review status: criteria provided, single submitter. Criteria: ACMG Guidelines, 2015. Collection method: clinical testing. Allele origin: germline.

Literature cited by the submitters: PubMed 17576681 (cited by Labcorp Genetics (formerly Invitae), Labcorp); PubMed 9536098 (cited by Labcorp Genetics (formerly Invitae), Labcorp).